The following is an entry in ClinVar:

ClinVar aggregate classification (germline): Conflicting classifications of pathogenicity. Review status: criteria provided, conflicting classifications (1 of 4 stars). 4 submissions from 4 submitters: Uncertain significance (3); Likely benign (1). Last evaluated 2026-09-30.

Conditions:
Autosomal recessive limb-girdle muscular dystrophy type 2J (LGMDR10). Also called: Limb-girdle muscular dystrophy, type 2J; MUSCULAR DYSTROPHY, LIMB-GIRDLE, AUTOSOMAL RECESSIVE 10. Identifiers: Orphanet 140922, MedGen C1837342, MONDO:0012127, OMIM 608807.
Dilated cardiomyopathy 1G (CMD1G). Identifiers: Orphanet 154, MedGen C1858763, MONDO:0011400, OMIM 604145.

Allele frequency attached by ClinVar (database versions not stated): 1000 Genomes Project 0.00020; ExAC 0.00003; gnomAD 0.00005; gnomAD exomes 0.00004 and 0.00003; TOPMed 0.00010; 1000 Genomes Project 30x 0.00016.
gnomAD v4.1: 46 of 1,613,920 alleles (0.0029%); highest among the groups gnomAD compares: Admixed American, 0.015%; no homozygotes.

Submissions (4):

GeneDx
Classification: Likely benign. Last evaluated: 2026-09-30. Review status: criteria provided, single submitter. Criteria: GeneDx Variant Classification Process June 2021. Collection method: clinical testing. Allele origin: germline.
Comment: See Variant Classification Assertion Criteria.

Revvity Omics, Revvity
Classification: Uncertain significance. Last evaluated: 2022-08-04. Review status: criteria provided, single submitter. Criteria: ACMG Guidelines, 2015. Collection method: clinical testing. Allele origin: germline.

Eurofins Ntd Llc (ga)
Classification: Uncertain significance. Last evaluated: 2018-04-27. Review status: criteria provided, single submitter. Criteria: EGL ClinVar v180209 classification definitions. Collection method: clinical testing. Allele origin: germline. Observed: 1 variant allele, 1 heterozygote.

Labcorp Genetics (formerly Invitae), Labcorp
Classification: Uncertain significance for Dilated cardiomyopathy 1G; Autosomal recessive limb-girdle muscular dystrophy type 2J. Last evaluated: 2017-04-12. Review status: criteria provided, single submitter. Criteria: Invitae Variant Classification Sherloc (09022015). Collection method: clinical testing. Allele origin: germline.

NM_001267550.2(TTN):c.93917T>C (p.Ile31306Thr)

Genes: TTN (titin; minus strand), TTN-AS1 (TTN antisense RNA 1; plus strand). Cytogenetic location: 2q31.2.
Variant type: single nucleotide variant.
Coding change: c.93917T>C on transcript NM_001267550.2 (MANE Select); coding-DNA position 93917, T replaced by C.
Protein change: p.Ile31306Thr; replaces isoleucine 31306 with threonine.
Molecular consequence: missense variant.
Genome position (GRCh38, 1-based): chr2:178,547,709, A>G on the plus strand (T>C on the coding strand, the complement: TTN is on the minus strand). VCF-style: chr2-178547709-A-G. GRCh37 (hg19) VCF-style: chr2-179412436-A-G.
Other names: c.88994T>C, p.Ile29665Thr (NM_001256850.1); c.66722T>C, p.Ile22241Thr (NM_003319.4); c.86213T>C, p.Ile28738Thr (NM_133378.4); c.67097T>C, p.Ile22366Thr (NM_133432.3); c.67298T>C, p.Ile22433Thr (NM_133437.4); c.93917T>C (NM_001267550.1); short protein forms I29665T, I31306T, I28738T, I22366T, I22241T, I22433T.
Identifiers: ClinVar variation 450910 (VCV000450910.14), dbSNP rs555405542, ClinGen allele CA1987228.